The following is an entry in ClinVar:

ClinVar aggregate classification (germline): Uncertain significance (1 of 4 stars; one submission).

Conditions:
Axenfeld-Rieger syndrome type 3 (RIEG3). Also called: AXENFELD-RIEGER ANOMALY WITH CARDIAC DEFECTS AND/OR SENSORINEURAL HEARING LOSS. Identifiers: Orphanet 782, MedGen C2678503, MONDO:0011233, OMIM 602482.

Submission:

Labcorp Genetics (formerly Invitae), Labcorp
Classification: Uncertain significance for Axenfeld-Rieger syndrome type 3. Last evaluated: 2025-12-24. Review status: criteria provided, single submitter. Criteria: Invitae Variant Classification Sherloc (09022015). Collection method: clinical testing. Allele origin: germline.
Comment: This sequence change affects codon 13 of the FOXC1 mRNA. It is a 'silent' change, meaning that it does not change the encoded amino acid sequence of the FOXC1 protein. This variant is not present in population databases (gnomAD no frequency). This variant has not been reported in the literature in individuals affected with FOXC1-related conditions. In summary, the available evidence is currently insufficient to determine the role of this variant in disease. Therefore, it has been classified as a Variant of Uncertain Significance.

NM_001453.3(FOXC1):c.37C>T (p.Leu13=)

Gene: FOXC1 (forkhead box C1; plus strand). Cytogenetic location: 6p25.3.
Variant type: single nucleotide variant.
Coding change: c.37C>T on transcript NM_001453.3 (MANE Select); coding-DNA position 37, C replaced by T.
Protein change: p.Leu13=; no amino-acid change (leucine 13 retained).
Molecular consequence: synonymous variant.
Genome position (GRCh38, 1-based): chr6:1,610,482, C>T. VCF-style: chr6-1610482-C-T. GRCh37 (hg19) VCF-style: chr6-1610717-C-T.
Identifiers: ClinVar variation 4770546 (VCV004770546.1).